The following is an entry in ClinVar:

ClinVar aggregate classification (germline): Uncertain significance (1 of 4 stars; one submission).

Conditions:
Inborn genetic diseases. Identifiers: MedGen C0950123, MeSH D030342.

gnomAD v4.1: 33 of 1,613,970 alleles (0.002%); highest among the groups gnomAD compares: Non-Finnish European, 0.0028%; no homozygotes.

Submission:

Ambry Genetics
Classification: Uncertain significance for Inborn genetic diseases. Last evaluated: 2026-03-23. Review status: criteria provided, single submitter. Criteria: Ambry Variant Classification Scheme 2023. Collection method: clinical testing. Allele origin: germline.
Comment: The c.9284A>G (p.Y3095C) alteration is located in exon 37 (coding exon 37) of the ANK3 gene. This alteration results from a A to G substitution at nucleotide position 9284, causing the tyrosine (Y) at amino acid position 3095 to be replaced by a cysteine (C). Based on data from gnomAD, the G allele has an overall frequency of 0.001% (3/251022) total alleles studied. The highest observed frequency was 0.003% (3/113598) of European (non-Finnish) alleles. Based on insufficient or conflicting evidence, the clinical significance of this alteration remains unclear.

NM_020987.5(ANK3):c.9284A>G (p.Tyr3095Cys)

Gene: ANK3 (ankyrin 3; minus strand). Cytogenetic location: 10q21.2.
Variant type: single nucleotide variant.
Coding change: c.9284A>G on transcript NM_020987.5 (MANE Select); coding-DNA position 9284, A replaced by G.
Protein change: p.Tyr3095Cys; replaces tyrosine 3095 with cysteine.
Molecular consequence: missense variant. On other transcripts: intron variant (4).
Genome position (GRCh38, 1-based): chr10:60,071,597, T>C on the plus strand (A>G on the coding strand, the complement: ANK3 is on the minus strand). VCF-style: chr10-60071597-T-C. GRCh37 (hg19) VCF-style: chr10-61831355-T-C.
Other names: c.4388-3588A>G (NM_001204403.2); c.4409-3588A>G (NM_001204404.2); c.4406-3588A>G (NM_001320874.2); c.1808-3588A>G (NM_001149.4); short protein forms Y3095C.
Identifiers: ClinVar variation 4858422 (VCV004858422.1).